The following is an entry in ClinVar:

NM_001166108.2(PALLD):c.2899C>T (p.Pro967Ser)

Genes: CBR4 (carbonyl reductase 4; minus strand), PALLD (palladin, cytoskeletal associated protein; plus strand). Cytogenetic location: 4q32.3.
Variant type: single nucleotide variant.
Coding change: c.2899C>T on transcript NM_001166108.2 (MANE Select); coding-DNA position 2899, C replaced by T.
Protein change: p.Pro967Ser; replaces proline 967 with serine.
Molecular consequence: missense variant.
Genome position (GRCh38, 1-based): chr4:168,921,582, C>T. VCF-style: chr4-168921582-C-T. GRCh37 (hg19) VCF-style: chr4-169842733-C-T.
Other names: c.1702C>T, p.Pro568Ser (NM_001166109.2); c.1387C>T, p.Pro463Ser (NM_001166110.2); c.727C>T, p.Pro243Ser (NM_001367567.1, NM_001367569.1); c.778C>T, p.Pro260Ser (NM_001367568.1, NM_001367570.1); c.2848C>T, p.Pro950Ser (NM_016081.4); short protein forms P243S, P260S, P967S, P463S, P568S, P950S.
Identifiers: ClinVar variation 839593 (VCV000839593.12), dbSNP rs1176026649, ClinGen allele CA358708557.

ClinVar aggregate classification (germline): Uncertain significance. Review status: criteria provided, multiple submitters, no conflicts (2 of 4 stars). 2 submissions from 2 submitters: Uncertain significance (2). Last evaluated 2022-09-19.

Conditions:
Pancreatic adenocarcinoma. Identifiers: MedGen C0281361, MONDO:0006047, HP:0006725.

Allele frequency attached by ClinVar (database versions not stated): gnomAD exomes below 0.00001; gnomAD 0.00001.
gnomAD v4.1: 2 of 1,608,954 alleles (0.00012%); highest among the groups gnomAD compares: African/African-American, 0.0014%; no homozygotes.

Submissions (2):

Ambry Genetics
Classification: Uncertain significance. Last evaluated: 2022-09-19. Review status: criteria provided, single submitter. Criteria: Ambry Variant Classification Scheme 2023. Collection method: clinical testing. Allele origin: germline.
Comment: The p.P950S variant (also known as c.2848C>T), located in coding exon 16 of the PALLD gene, results from a C to T substitution at nucleotide position 2848. The proline at codon 950 is replaced by serine, an amino acid with similar properties. This amino acid position is conserved. In addition, this alteration is predicted to be tolerated by in silico analysis. Since supporting evidence is limited at this time, the clinical significance of this alteration remains unclear.

Labcorp Genetics (formerly Invitae), Labcorp
Classification: Uncertain significance for Pancreatic adenocarcinoma. Last evaluated: 2019-11-21. Review status: criteria provided, single submitter. Criteria: Invitae Variant Classification Sherloc (09022015). Collection method: clinical testing. Allele origin: germline.
Comment: This sequence change replaces proline with serine at codon 463 of the PALLD protein (p.Pro463Ser). The proline residue is highly conserved and there is a moderate physicochemical difference between proline and serine. In summary, the available evidence is currently insufficient to determine the role of this variant in disease. Therefore, it has been classified as a Variant of Uncertain Significance. Algorithms developed to predict the effect of missense changes on protein structure and function (SIFT, PolyPhen-2, Align-GVGD) all suggest that this variant is likely to be disruptive, but these predictions have not been confirmed by published functional studies and their clinical significance is uncertain. This variant has not been reported in the literature in individuals with PALLD-related conditions. This variant is not present in population databases (ExAC no frequency).